The following is an entry in ClinVar:

ClinVar aggregate classification (germline): Pathogenic (1 of 4 stars; one submission).

Conditions:
Orofaciodigital syndrome I (OFD1). Also called: Oral-Facial-Digital Syndrome Type I; Papillon-Leage and Psaume Syndrome; OFDS I. Identifiers: Orphanet 2750, MedGen C1510460, MONDO:0010702, OMIM 311200.

Submission:

Women's Health and Genetics/Laboratory Corporation of America, LabCorp
Classification: Pathogenic for Orofaciodigital syndrome I. Last evaluated: 2023-10-10. Review status: criteria provided, single submitter. Criteria: LabCorp Variant Classification Summary - May 2015. Collection method: clinical testing. Allele origin: germline.
Comment: Variant summary: The variant identified by MLPA or other technology involves the deletion of exons 1-5 in the OFD1 gene, where exon 1 contains the translation initiation codon. The exact breakpoint at the 5' end of this variant is unknown and therefore this deletion might extend upstream of the assayed region of the gene. A presumed nomenclature of c.(?_-325)_(412+1_413-1)del has been designated for the purposes of this classification. Although exact breakpoints of this deletion are not known, it is expected to result in an absent or shortened protein product, a known mechanism of disease. The variant was absent in 15814 control chromosomes (gnomAD, structural variants dataset). To our knowledge, no occurrence of c.(?_-325)_(412+1_413-1)del in individuals affected with Orofaciodigital Syndrome I and no experimental evidence demonstrating its impact on protein function have been reported. However, several variants located in the deleted region have been observed in individuals affected with Orofaciodigital Syndrome I (HGMD database), including at least one that has been classified as pathogenic in ClinVar, suggesting the deletion of exons 1-5 would be deterimental to protein function. No submitters have cited clinical-significance assessments for this variant to ClinVar after 2014. Based on the evidence outlined above, the variant was classified as pathogenic.

NC_000023.10:g.(?_13752866)_(13757152_13762533)del

Gene: OFD1 (OFD1 centriole and centriolar satellite protein; plus strand). Cytogenetic location: Xp22.2.
Variant type: Deletion.
Identifiers: ClinVar variation 2637651 (VCV002637651.1).